The following is an entry in ClinVar:

NM_001379500.1(COL18A1):c.767G>A (p.Gly256Glu)

Gene: COL18A1 (collagen type XVIII alpha 1 chain; plus strand). Cytogenetic location: 21q22.3.
Variant type: single nucleotide variant.
Coding change: c.767G>A on transcript NM_001379500.1 (MANE Select); coding-DNA position 767, G replaced by A.
Protein change: p.Gly256Glu; replaces glycine 256 with glutamic acid.
Molecular consequence: missense variant.
Genome position (GRCh38, 1-based): chr21:45,475,504, G>A. VCF-style: chr21-45475504-G-A. GRCh37 (hg19) VCF-style: chr21-46895418-G-A.
Other names: NM_130445.2:c.767G>A; c.1307G>A, p.Gly436Glu (NM_030582.4); c.2012G>A, p.Gly671Glu (NM_130444.3); short protein forms G256E, G436E, G671E.
Identifiers: ClinVar variation 1506494 (VCV001506494.5), dbSNP rs368233273, ClinGen allele CA10065885.

ClinVar aggregate classification (germline): Conflicting classifications of pathogenicity. Review status: criteria provided, conflicting classifications (1 of 4 stars). 2 submissions from 2 submitters: Uncertain significance (1); Likely benign (1). Last evaluated 2025-11-28.

Conditions:
Inborn genetic diseases. Identifiers: MedGen C0950123, MeSH D030342.

Allele frequency attached by ClinVar (database versions not stated): ExAC 0.00001; gnomAD 0.00001; gnomAD exomes 0.00002.
gnomAD v4.1: 8 of 1,606,924 alleles (0.0005%); highest among the groups gnomAD compares: Admixed American, 0.013%; no homozygotes.

Submissions (2):

Labcorp Genetics (formerly Invitae), Labcorp
Classification: Uncertain significance. Last evaluated: 2025-11-28. Review status: criteria provided, single submitter. Criteria: Invitae Variant Classification Sherloc (09022015). Collection method: clinical testing. Allele origin: germline.
Comment: This sequence change replaces glycine, which is neutral and non-polar, with glutamic acid, which is acidic and polar, at codon 256 of the COL18A1 protein (p.Gly256Glu). This variant is present in population databases (rs368233273, gnomAD 0.02%). This variant has not been reported in the literature in individuals affected with COL18A1-related conditions. ClinVar contains an entry for this variant (Variation ID: 1506494). Experimental studies and prediction algorithms are not available or were not evaluated, and the functional significance of this variant is currently unknown. In summary, the available evidence is currently insufficient to determine the role of this variant in disease. Therefore, it has been classified as a Variant of Uncertain Significance.

Ambry Genetics
Classification: Likely benign for Inborn genetic diseases. Last evaluated: 2022-01-26. Review status: criteria provided, single submitter. Criteria: Ambry Variant Classification Scheme 2023. Collection method: clinical testing. Allele origin: germline.